The following is an entry in ClinVar:

ClinVar aggregate classification (germline): Likely pathogenic (1 of 4 stars; one submission).

Conditions:
Deficiency of hyaluronoglucosaminidase (MPS9). Also called: Mucopolysaccharidosis type 9; HYALURONIDASE DEFICIENCY; MPS IX. Identifiers: Orphanet 67041, MedGen C1291490, MONDO:0011093, OMIM 601492.

Submission:

Natera, Inc.
Classification: Likely pathogenic for Mucopolysaccharidosis type IX. Last evaluated: 2025-03-16. Review status: criteria provided, single submitter. Criteria: Natera Variant Classification Schema (03/2026). Collection method: clinical testing. Allele origin: germline.
Comment: The c.331C>T variant in HYAL1 is a nonsense variant predicted to introduce a stop codon at amino acid 111. This variant is expected to result in nonsense mediated decay, truncation, or a dysfunctional protein product. This variant is rare in the general population with a frequency below the threshold expected for the associated phenotype(s). Given the available evidence, this variant is classified as Likely Pathogenic.

NM_033159.4(HYAL1):c.331C>T (p.Gln111Ter)

Gene: HYAL1 (hyaluronidase 1; minus strand). Cytogenetic location: 3p21.31.
Variant type: single nucleotide variant.
Coding change: c.331C>T on transcript NM_033159.4 (MANE Select); coding-DNA position 331, C replaced by T.
Protein change: p.Gln111Ter; replaces glutamine 111 with a stop codon.
Molecular consequence: nonsense. On other transcripts: non-coding transcript variant (1), intron variant (2).
Genome position (GRCh38, 1-based): chr3:50,302,626, G>A on the plus strand (C>T on the coding strand, the complement: HYAL1 is on the minus strand). VCF-style: chr3-50302626-G-A. GRCh37 (hg19) VCF-style: chr3-50340057-G-A.
Other names: c.331C>T, p.Gln111Ter (NM_153281.2, NM_153282.3); c.-26-421C>T (NM_153285.3); c.-213-3C>T (NM_153283.3); short protein forms Q111*.
Identifiers: ClinVar variation 4069595 (VCV004069595.2).